The following is an entry in ClinVar:

ClinVar aggregate classification (germline): Uncertain significance (1 of 4 stars; one submission).

Submission:

GeneDx
Classification: Uncertain significance. Last evaluated: 2020-01-28. Review status: criteria provided, single submitter. Criteria: GeneDx Variant Classification Process June 2021. Collection method: clinical testing. Allele origin: germline. Affected: yes.
Comment: Not observed in large population cohorts (Lek et al., 2016); In silico analysis, which includes protein predictors and evolutionary conservation, supports that this variant does not alter protein structure/function; Has not been previously published as pathogenic or benign to our knowledge

NM_014334.4(FRRS1L):c.820T>A (p.Ser274Thr)

Gene: FRRS1L (ferric chelate reductase 1 like; minus strand). Cytogenetic location: 9q31.3.
Variant type: single nucleotide variant.
Coding change: c.820T>A on transcript NM_014334.4 (MANE Select); coding-DNA position 820, T replaced by A.
Protein change: p.Ser274Thr; replaces serine 274 with threonine.
Molecular consequence: missense variant.
Genome position (GRCh38, 1-based): chr9:109,137,517, A>T on the plus strand (T>A on the coding strand, the complement: FRRS1L is on the minus strand). VCF-style: chr9-109137517-A-T. GRCh37 (hg19) VCF-style: chr9-111899797-A-T.
Other names: short protein forms S274T.
Identifiers: ClinVar variation 1313631 (VCV001313631.2), dbSNP rs2118459047, ClinGen allele CA374422867.